The following is an entry in ClinVar:

NM_015335.5(MED13L):c.5246C>G (p.Ser1749Cys)

Gene: MED13L (mediator complex subunit 13L; minus strand). Cytogenetic location: 12q24.21.
Variant type: single nucleotide variant.
Coding change: c.5246C>G on transcript NM_015335.5 (MANE Select); coding-DNA position 5246, C replaced by G.
Protein change: p.Ser1749Cys; replaces serine 1749 with cysteine.
Molecular consequence: missense variant.
Genome position (GRCh38, 1-based): chr12:115,980,868, G>C on the plus strand (C>G on the coding strand, the complement: MED13L is on the minus strand). VCF-style: chr12-115980868-G-C. GRCh37 (hg19) VCF-style: chr12-116418673-G-C.
Other names: short protein forms S1749C.
Identifiers: ClinVar variation 3341049 (VCV003341049.1).

ClinVar aggregate classification (germline): Uncertain significance (1 of 4 stars; one submission).

Submission:

GeneDx
Classification: Uncertain significance. Last evaluated: 2024-02-15. Review status: criteria provided, single submitter. Criteria: GeneDx Variant Classification Process June 2021. Collection method: clinical testing. Allele origin: germline. Affected: yes.
Comment: Not observed at significant frequency in large population cohorts (gnomAD); In silico analysis supports that this missense variant has a deleterious effect on protein structure/function; Has not been previously published as pathogenic or benign to our knowledge